The following is an entry in ClinVar:

ClinVar aggregate classification (germline): Benign. Review status: reviewed by expert panel (3 of 4 stars). 3 submissions from 3 submitters: Benign (1). 2 of the submissions do not count toward it. Last evaluated 2015-01-12.

Conditions:
Breast-ovarian cancer, familial, susceptibility to, 1 (BROVCA1). Also called: BRCA1 Hereditary Breast and Ovarian Cancer; OVARIAN CANCER, SUSCEPTIBILITY TO. Identifiers: Orphanet 145, MedGen C2676676, MONDO:0011450, OMIM 604370. Disease mechanism: loss of function.

Allele frequency attached by ClinVar (database versions not stated): gnomAD 0.05241 and 0.05637; 1000 Genomes Project 0.05411; 1000 Genomes Project 30x 0.05731; TOPMed 0.05969.
gnomAD v4.1: 7,857 of 151,538 alleles (5.2%); highest among the groups gnomAD compares: African/African-American, 18%; 701 homozygotes.

Submissions (3):

Evidence-based Network for the Interpretation of Germline Mutant Alleles (ENIGMA)
Classification: Benign for Breast-ovarian cancer, familial 1. Last evaluated: 2015-01-12. Review status: reviewed by expert panel. Criteria: ENIGMA BRCA1/2 Classification Criteria (2015). Collection method: curation. Allele origin: germline.
Comment: Class 1 not pathogenic based on frequency >1% in an outbred sampleset. Frequency 0.2236 (African), derived from 1000 genomes (2012-04-30).

GeneDx
Classification: Benign. Last evaluated: 2018-10-27. Review status: criteria provided, single submitter. Criteria: GeneDx Variant Classification Process June 2021. Collection method: clinical testing. Allele origin: germline. Affected: yes. Not counted in ClinVar's aggregate classification.

Breakthrough Genomics
Classification: Benign. Review status: criteria provided, single submitter. Criteria: ACMG Guidelines, 2015. Collection method: not provided. Allele origin: germline. Inheritance: Autosomal recessive inheritance. Affected: yes. Not counted in ClinVar's aggregate classification.

NM_007294.4(BRCA1):c.547+284C>T

Gene: BRCA1 (BRCA1 DNA repair associated; minus strand). Cytogenetic location: 17q21.31.
Variant type: single nucleotide variant.
Coding change: c.547+284C>T on transcript NM_007294.4 (MANE Select); 284 bases into the intron after coding-DNA position 547, C replaced by T.
Molecular consequence: intron variant.
Genome position (GRCh38, 1-based): chr17:43,099,491, G>A on the plus strand (C>T on the coding strand, the complement: BRCA1 is on the minus strand). VCF-style: chr17-43099491-G-A. GRCh37 (hg19) VCF-style: chr17-41251508-G-A.
Other names: IVS 8+284C>T; c.406+284C>T (NM_001408458.1, NM_001407922.1, NM_001408469.1 and 61 more transcripts); c.-218-4631C>T (NM_001407967.1, NM_001407966.1); c.166+284C>T (NM_001407959.1, NM_001408512.1, NM_001408510.1 and 3 more transcripts); c.403+284C>T (NM_001407931.1, NM_001407747.1, NM_001408470.1 and 35 more transcripts); c.163+284C>T (NM_001407962.1); c.337+284C>T (NM_001407885.1, NM_001407886.1, NM_001407881.1 and 37 more transcripts); c.544+284C>T (NM_001407686.1, NM_001408397.1, NM_001407632.1 and 65 more transcripts); and 6 more.
Identifiers: ClinVar variation 209464 (VCV000209464.5), dbSNP rs7219966, ClinGen allele CA276434.